The following is an entry in ClinVar:

ClinVar aggregate classification (germline): Benign/Likely benign. Review status: criteria provided, multiple submitters, no conflicts (2 of 4 stars). 2 submissions from 2 submitters: Benign (1); Likely benign (1). Last evaluated 2025-02-16.

Conditions:
Leigh syndrome (NULS). Also called: Leigh's necrotizing encephalopathy; Leigh's disease; Leigh Syndrome (mtDNA deletion); Leigh Disease; Subacute necrotizing encephalopathy; Necrotizing encephalopathy infantile subacute of Leigh. Identifiers: Orphanet 506, MedGen C2931891, MONDO:0009723, OMIM 256000.

Submissions (2):

Laboratory of Genetics, Children's Clinical University Hospital Latvia
Classification: Likely benign. Last evaluated: 2025-02-16. Review status: criteria provided, single submitter. Criteria: ACMG Guidelines, 2015. Collection method: clinical testing. Allele origin: germline. Affected: yes.

Wong Mito Lab, Molecular and Human Genetics, Baylor College of Medicine
Classification: Benign for Leigh syndrome. Last evaluated: 2019-10-17. Review status: criteria provided, single submitter. Criteria: Modified ACMG Guidelines (Unpublished). Collection method: clinical testing. Allele origin: germline.
Comment: The NC_012920.1:m.9103T>C (YP_003024031.1:p.Phe193Leu) variant in MTATP6 gene is interpretated to be a Benign variant based on the modified ACMG guidelines (unpublished). This variant meets the following evidence codes: BS1, BS2, BP4

Literature cited by the submitters: PubMed 7726182 (cited by Wong Mito Lab, Molecular and Human Genetics, Baylor College of Medicine).

NC_012920.1(MT-ATP6):m.9103T>C

Gene: MT-ATP6 (mitochondrially encoded ATP synthase 6; plus strand).
Variant type: single nucleotide variant.
Genome position: chrM-9103-T-C.
Identifiers: ClinVar variation 693093 (VCV000693093.2), dbSNP rs1603222077, ClinGen allele CA414802217.
Genomic context (GRCh38, chrMT:9,103, plus strand): 5'-CTAATTGGAAGCGCCACCCTAGCAATATCAACCATTAACCTTCCCTCTACACTTATCATC[T>C]TCACAATTCTAATTCTACTGACTATCCTAGAAATCGCTGTCGCCTTAATCCAAGCCTACG-3'